The following is an entry in ClinVar:

NM_014806.5(RUSC2):c.119C>A (p.Thr40Lys)

Gene: RUSC2 (RUN and SH3 domain containing 2; plus strand). Cytogenetic location: 9p13.3.
Variant type: single nucleotide variant.
Coding change: c.119C>A on transcript NM_014806.5 (MANE Select); coding-DNA position 119, C replaced by A.
Protein change: p.Thr40Lys; replaces threonine 40 with lysine.
Molecular consequence: missense variant. On other transcripts: non-coding transcript variant (1), intron variant (1).
Genome position (GRCh38, 1-based): chr9:35,546,640, C>A. VCF-style: chr9-35546640-C-A. GRCh37 (hg19) VCF-style: chr9-35546637-C-A.
Other names: c.119C>A, p.Thr40Lys (NM_001135999.2); c.-620-8420C>A (NM_001330740.2); short protein forms T40K.
Identifiers: ClinVar variation 1027718 (VCV001027718.6), dbSNP rs146271483, ClinGen allele CA5043400.

ClinVar aggregate classification (germline): Uncertain significance. Review status: criteria provided, multiple submitters, no conflicts (2 of 4 stars). 3 submissions from 3 submitters: Uncertain significance (3). Last evaluated 2022-10-31.

Conditions:
Intellectual developmental disorder, autosomal recessive 61. Also called: ALWADEI SYNDROME; Intellectual disability, autosomal recessive 61; MENTAL RETARDATION, AUTOSOMAL RECESSIVE 61. Identifiers: MedGen C4540424, MONDO:0030915, OMIM 617773.

Allele frequency attached by ClinVar (database versions not stated): gnomAD 0.00067 and 0.00064; gnomAD exomes 0.00119 and 0.00051; TOPMed 0.00069; 1000 Genomes Project 30x 0.00016; ExAC 0.00059; 1000 Genomes Project 0.00020; ESP Exome Variant Server 0.00062.
gnomAD v4.1: 1,784 of 1,569,812 alleles (0.11%); highest among the groups gnomAD compares: Non-Finnish European, 0.14%; 2 homozygotes.

Submissions (3):

Labcorp Genetics (formerly Invitae), Labcorp
Classification: Uncertain significance. Last evaluated: 2022-10-31. Review status: criteria provided, single submitter. Criteria: Invitae Variant Classification Sherloc (09022015). Collection method: clinical testing. Allele origin: germline.
Comment: This sequence change replaces threonine, which is neutral and polar, with lysine, which is basic and polar, at codon 40 of the RUSC2 protein (p.Thr40Lys). This variant is present in population databases (rs146271483, gnomAD 0.1%), and has an allele count higher than expected for a pathogenic variant. This variant has not been reported in the literature in individuals affected with RUSC2-related conditions. ClinVar contains an entry for this variant (Variation ID: 1027718). Algorithms developed to predict the effect of missense changes on protein structure and function (SIFT, PolyPhen-2, Align-GVGD) all suggest that this variant is likely to be tolerated. In summary, the available evidence is currently insufficient to determine the role of this variant in disease. Therefore, it has been classified as a Variant of Uncertain Significance.

Ambry Genetics
Classification: Uncertain significance. Last evaluated: 2021-08-04. Review status: criteria provided, single submitter. Criteria: Ambry Variant Classification Scheme 2023. Collection method: clinical testing. Allele origin: germline.

Baylor Genetics
Classification: Uncertain significance for Intellectual developmental disorder, autosomal recessive 61. Last evaluated: 2019-02-13. Review status: criteria provided, single submitter. Criteria: ACMG Guidelines, 2015. Collection method: clinical testing. Allele origin: maternal. Affected: yes.
Comment: This variant was determined to be of uncertain significance according to ACMG Guidelines, 2015 [PMID:25741868].